The following is an entry in ClinVar:

NM_003242.6(TGFBR2):c.325C>T (p.His109Tyr)

Gene: TGFBR2 (transforming growth factor beta receptor 2; plus strand). Cytogenetic location: 3p24.1.
Variant type: single nucleotide variant.
Coding change: c.325C>T on transcript NM_003242.6 (MANE Select); coding-DNA position 325, C replaced by T.
Protein change: p.His109Tyr; replaces histidine 109 with tyrosine.
Molecular consequence: missense variant. On other transcripts: intron variant (2).
Genome position (GRCh38, 1-based): chr3:30,650,331, C>T. VCF-style: chr3-30650331-C-T. GRCh37 (hg19) VCF-style: chr3-30691823-C-T.
Other names: c.400C>T, p.His134Tyr (NM_001024847.3, NM_001407126.1, NM_001407139.1); c.325C>T, p.His109Tyr (NM_001407127.1, NM_001407130.1); c.352C>T, p.His118Tyr (NM_001407128.1); c.220C>T, p.His74Tyr (NM_001407129.1, NM_001407132.1, NM_001407133.1 and 3 more transcripts); c.170-21307C>T (NM_001407137.1); c.95-21307C>T (NM_001407138.1); short protein forms H109Y, H118Y, H134Y, H74Y.
Identifiers: ClinVar variation 4756467 (VCV004756467.1).
Genomic context (GRCh38, chr3:30,650,331, plus strand): 5'-AGAAAGAATGACGAGAACATAACACTAGAGACAGTTTGCCATGACCCCAAGCTCCCCTAC[C>T]ATGACTTTATTCTGGAAGATGCTGCTTCTCCAAAGTGCATTATGAAGGAAAAAAAAAAGC-3'
Protein context (NP_003233.4, residues 99-119): TVCHDPKLPY[His109Tyr]DFILEDAASP

ClinVar aggregate classification (germline): Uncertain significance (1 of 4 stars; one submission).

Conditions:
Familial thoracic aortic aneurysm and aortic dissection (TAAD). Also called: Thoracic aortic aneurysms and dissections. Identifiers: Orphanet 91387, MedGen C4707243, MONDO:0019625.

Submission:

Color Diagnostics, LLC DBA Color Health
Classification: Uncertain significance for Familial thoracic aortic aneurysm and aortic dissection. Last evaluated: 2025-09-15. Review status: criteria provided, single submitter. Criteria: ACMG Guidelines, 2015. Collection method: clinical testing. Allele origin: germline.
Comment: This missense variant replaces histidine with tyrosine at codon 109 of the TGFBR2 protein. Computational prediction suggests that this variant may not impact protein structure and function. To our knowledge, functional studies have not been reported for this variant. This variant has not been reported in individuals affected with TGFBR2-related disorders in the literature. This variant has not been identified in the general population by the Genome Aggregation Database (gnomAD). The available evidence is insufficient to determine the role of this variant in disease conclusively. Therefore, this variant is classified as a Variant of Uncertain Significance.